The following is an entry in ClinVar:

ClinVar aggregate classification (germline): Benign. Review status: criteria provided, multiple submitters, no conflicts (2 of 4 stars). 9 submissions from 9 submitters: Benign (6). 3 of the submissions do not count toward it. Last evaluated 2026-02-03.

Conditions:
Autosomal dominant Parkinson disease 8. Also called: Parkinson disease 8, susceptibility to; LRRK2-Related Parkinson Disease; Parkinson disease 8. Identifiers: Orphanet 411602, MedGen C1846862, MONDO:0011764, OMIM 607060.

Allele frequency attached by ClinVar (database versions not stated): ESP Exome Variant Server 0.25774; gnomAD 0.26687 and 0.27246; TOPMed 0.25560; 1000 Genomes Project 30x 0.27904; 1000 Genomes Project 0.28594; gnomAD exomes 0.29757; ExAC 0.29827.
gnomAD v4.1: 481,514 of 1,609,436 alleles (30%); highest among the groups gnomAD compares: South Asian, 36%; 74,287 homozygotes.

Submissions (9):

Labcorp Genetics (formerly Invitae), Labcorp
Classification: Benign for Autosomal dominant Parkinson disease 8. Last evaluated: 2026-02-03. Review status: criteria provided, single submitter. Criteria: Invitae Variant Classification Sherloc (09022015). Collection method: clinical testing. Allele origin: germline.

Mayo Clinic Laboratories, Mayo Clinic
Classification: Benign. Last evaluated: 2023-02-02. Review status: criteria provided, single submitter. Criteria: ACMG Guidelines, 2015. Collection method: clinical testing. Allele origin: germline. Observed: 305 variant alleles.
Comment: BA1, BP4

GeneDx
Classification: Benign. Last evaluated: 2021-10-05. Review status: criteria provided, single submitter. Criteria: GeneDx Variant Classification Process June 2021. Collection method: clinical testing. Allele origin: germline. Affected: yes.
Comment: This variant is associated with the following publications: (PMID: 30917570, 23842774, 20629711, 20721913, 31085292, 20186690, 26311745)

Fulgent Genetics
Classification: Benign for Autosomal dominant Parkinson disease 8. Last evaluated: 2021-07-22. Review status: criteria provided, single submitter. Criteria: ACMG Guidelines, 2015. Collection method: clinical testing. Allele origin: unknown.

Illumina Laboratory Services, Illumina
Classification: Benign for Autosomal dominant Parkinson disease 8. Last evaluated: 2018-03-06. Review status: criteria provided, single submitter. Criteria: ICSL Variant Classification Criteria 13 December 2019. Collection method: clinical testing. Allele origin: germline.
Comment: This variant was observed in the ICSL laboratory as part of a predisposition screen in an ostensibly healthy population. It had not been previously curated by ICSL or reported in the Human Gene Mutation Database (HGMD: prior to June 1st, 2018), and was therefore a candidate for classification through an automated scoring system. Utilizing variant allele frequency, disease prevalence and penetrance estimates, and inheritance mode, an automated score was calculated to assess if this variant is too frequent to cause the disease. Based on the score and internal cut-off values, a variant classified as benign is not then subjected to further curation. The score for this variant resulted in a classification of benign for this disease.

Breakthrough Genomics
Classification: Benign. Review status: criteria provided, single submitter. Criteria: ACMG Guidelines, 2015. Collection method: not provided. Allele origin: germline. Inheritance: Autosomal dominant inheritance. Affected: yes.

Clinical Genetics DNA and cytogenetics Diagnostics Lab, Erasmus MC, Erasmus Medical Center
Classification: Benign. Review status: no assertion criteria provided. Collection method: clinical testing. Allele origin: germline. Affected: yes. Study: VKGL Data-share Consensus. Not counted in ClinVar's aggregate classification.

GeneReviews
No classification provided. Condition: Autosomal dominant Parkinson disease 8. Review status: no classification provided. Collection method: literature only. Allele origin: unknown. Not counted in ClinVar's aggregate classification.

Genome Diagnostics Laboratory, Amsterdam University Medical Center
Classification: Benign. Review status: no assertion criteria provided. Collection method: clinical testing. Allele origin: germline. Affected: yes. Study: VKGL Data-share Consensus. Not counted in ClinVar's aggregate classification.

Literature cited by the submitters: PubMed 20186690 (cited by Mayo Clinic Laboratories, Mayo Clinic); PubMed 20721913 (cited by Mayo Clinic Laboratories, Mayo Clinic); PubMed 30917570 (cited by Mayo Clinic Laboratories, Mayo Clinic); PubMed 31085292 (cited by Mayo Clinic Laboratories, Mayo Clinic); PubMed 20301387 (cited by GeneReviews); NCBI Bookshelf NBK1208 (cited by GeneReviews).

NM_198578.4(LRRK2):c.4939T>A (p.Ser1647Thr)

Gene: LRRK2 (leucine rich repeat kinase 2; plus strand). Cytogenetic location: 12q12.
Variant type: single nucleotide variant.
Coding change: c.4939T>A on transcript NM_198578.4 (MANE Select); coding-DNA position 4939, T replaced by A.
Protein change: p.Ser1647Thr; replaces serine 1647 with threonine.
Molecular consequence: missense variant.
Genome position (GRCh38, 1-based): chr12:40,320,099, T>A. VCF-style: chr12-40320099-T-A. GRCh37 (hg19) VCF-style: chr12-40713901-T-A.
Other names: short protein forms S1647T.
Identifiers: ClinVar variation 39201 (VCV000039201.21), dbSNP rs11564148, ClinGen allele CA343612.